The following is an entry in ClinVar:

NM_001374828.1(ARID1B):c.6300G>T (p.Lys2100Asn)

Gene: ARID1B (AT-rich interaction domain 1B; plus strand). Cytogenetic location: 6q25.3.
Variant type: single nucleotide variant.
Coding change: c.6300G>T on transcript NM_001374828.1 (MANE Select); coding-DNA position 6300, G replaced by T.
Protein change: p.Lys2100Asn; replaces lysine 2100 with asparagine.
Molecular consequence: missense variant.
Genome position (GRCh38, 1-based): chr6:157,207,072, G>T. VCF-style: chr6-157207072-G-T. GRCh37 (hg19) VCF-style: chr6-157528206-G-T.
Other names: c.6051G>T, p.Lys2017Asn (NM_001346813.1); c.3801G>T, p.Lys1267Asn (NM_001363725.2); c.6180G>T, p.Lys2060Asn (NM_001371656.1, NM_001374820.1); c.6141G>T, p.Lys2047Asn (NM_017519.3); c.5931G>T, p.Lys1977Asn (NM_020732.3); c.5718G>T, p.Lys1906Asn (NM_175863.2); short protein forms K1267N, K1906N, K1977N, K2017N, K2047N, K2060N, K2100N.
Identifiers: ClinVar variation 2581795 (VCV002581795.1), dbSNP rs2128396197, ClinGen allele CA366247968.

ClinVar aggregate classification (germline): Uncertain significance (1 of 4 stars; one submission).

Submission:

GeneDx
Classification: Uncertain significance. Last evaluated: 2023-03-27. Review status: criteria provided, single submitter. Criteria: GeneDx Variant Classification Process June 2021. Collection method: clinical testing. Allele origin: germline. Affected: yes.
Comment: Not observed at significant frequency in large population cohorts (gnomAD); In silico analysis supports that this missense variant has a deleterious effect on protein structure/function; In silico analysis is inconclusive as to whether the variant alters gene splicing. In the absence of RNA/functional studies, the actual effect of this sequence change is unknown.; Has not been previously published as pathogenic or benign to our knowledge